The following is an entry in ClinVar:

ClinVar aggregate classification (germline): Likely benign. Review status: criteria provided, multiple submitters, no conflicts (2 of 4 stars). 2 submissions from 2 submitters: Likely benign (2). Last evaluated 2024-05-28.

Conditions:
Autosomal recessive limb-girdle muscular dystrophy type 2J (LGMDR10). Also called: MUSCULAR DYSTROPHY, LIMB-GIRDLE, AUTOSOMAL RECESSIVE 10; Limb-girdle muscular dystrophy, type 2J. Identifiers: Orphanet 140922, MedGen C1837342, MONDO:0012127, OMIM 608807.
Dilated cardiomyopathy 1G (CMD1G). Identifiers: Orphanet 154, MedGen C1858763, MONDO:0011400, OMIM 604145.

Submissions (2):

Labcorp Genetics (formerly Invitae), Labcorp
Classification: Likely benign for Dilated cardiomyopathy 1G; Autosomal recessive limb-girdle muscular dystrophy type 2J. Last evaluated: 2024-05-28. Review status: criteria provided, single submitter. Criteria: Invitae Variant Classification Sherloc (09022015). Collection method: clinical testing. Allele origin: germline.

GeneDx
Classification: Likely benign. Last evaluated: 2017-10-31. Review status: criteria provided, single submitter. Criteria: GeneDx Variant Classification (06012015). Collection method: clinical testing. Allele origin: germline. Affected: yes.
Comment: This variant is considered likely benign or benign based on one or more of the following criteria: it is a conservative change, it occurs at a poorly conserved position in the protein, it is predicted to be benign by multiple in silico algorithms, and/or has population frequency not consistent with disease.

NM_001267550.2(TTN):c.87006T>A (p.Val29002=)

Genes: TTN (titin; minus strand), TTN-AS1 (TTN antisense RNA 1; plus strand). Cytogenetic location: 2q31.2.
Variant type: single nucleotide variant.
Coding change: c.87006T>A on transcript NM_001267550.2 (MANE Select); coding-DNA position 87006, T replaced by A.
Protein change: p.Val29002=; no amino-acid change (valine 29002 retained).
Molecular consequence: synonymous variant.
Genome position (GRCh38, 1-based): chr2:178,558,453, A>T on the plus strand (T>A on the coding strand, the complement: TTN is on the minus strand). VCF-style: chr2-178558453-A-T. GRCh37 (hg19) VCF-style: chr2-179423180-A-T.
Other names: c.82083T>A, p.Val27361= (NM_001256850.1); c.59811T>A, p.Val19937= (NM_003319.4); c.79302T>A, p.Val26434= (NM_133378.4); c.60186T>A, p.Val20062= (NM_133432.3); c.60387T>A, p.Val20129= (NM_133437.4).
Identifiers: ClinVar variation 513137 (VCV000513137.3), dbSNP rs761762773, ClinGen allele CA430247733.